The following is an entry in ClinVar:

ClinVar aggregate classification (germline): Pathogenic. Review status: criteria provided, multiple submitters, no conflicts (2 of 4 stars). 17 submissions from 17 submitters: Pathogenic (16). 1 of the submissions does not count toward it. Last evaluated 2026-04-29.

Conditions:
MCADD - Medium-chain acyl-CoA dehydrogenase deficiency – full ACADM sequencing newborn screening follow up.
ACADM-related disorder. Also called: ACADM-related condition.
Medium-chain acyl-coenzyme A dehydrogenase deficiency (ACADMD). Also called: ACADM DEFICIENCY; Medium chain acyl-CoA dehydrogenase deficiency; MCAD Deficiency; CARNITINE DEFICIENCY SECONDARY TO MEDIUM-CHAIN ACYL-CoA DEHYDROGENASE DEFICIENCY; MCADH DEFICIENCY; MCADD. Identifiers: Orphanet 42, MedGen C0220710, MONDO:0008721, OMIM 201450.

Allele frequency attached by ClinVar (database versions not stated): gnomAD exomes 0.00001 and 0.00002; ExAC 0.00002; gnomAD 0.00002; TOPMed 0.00002.

Submissions (17):

Service of Pediatric Gastrohepatology and Metabolic Diseases, University of Medicine of Tirana
Classification: Pathogenic for Medium-chain acyl-coenzyme A dehydrogenase deficiency. Last evaluated: 2026-04-29. Review status: criteria provided, single submitter. Criteria: ACMG Guidelines, 2015. Collection method: clinical testing. Allele origin: germline. Inheritance: Autosomal recessive inheritance. Affected: yes. Observed: 1 variant allele.
Comment: ACADM c.244dup was classified as Pathogenic using ACMG/AMP 2015 criteria (PMID:25741868). The duplication is predicted to cause a frameshift/loss-of-function effect, supporting PVS1 for ACADM-related MCAD deficiency (OMIM:201450), with PM2 for rarity/absence in population databases when reviewed and PP4 for phenotype/biochemical consistency where available.

Labcorp Genetics (formerly Invitae), Labcorp
Classification: Pathogenic for Medium-chain acyl-coenzyme A dehydrogenase deficiency. Last evaluated: 2025-12-22. Review status: criteria provided, single submitter. Criteria: Invitae Variant Classification Sherloc (09022015). Collection method: clinical testing. Allele origin: germline.
Comment: This sequence change creates a premature translational stop signal (p.Trp82Leufs*23) in the ACADM gene. It is expected to result in an absent or disrupted protein product. Loss-of-function variants in ACADM are known to be pathogenic (PMID: 16121256, 20434380). This variant is present in population databases (rs762524583, gnomAD 0.004%). This premature translational stop signal has been observed in individuals with medium-chain acyl-coenzyme A dehydrogenase deficiency (PMID: 11349232, 15171998, 15832312, 20036593, 23028790, 23095120). ClinVar contains an entry for this variant (Variation ID: 188934). For these reasons, this variant has been classified as Pathogenic.

Genetics Laboratory, Great Ormond Street Hospital NHS Foundation Trust, North Thames Genomic Laboratory Hub
Classification: Pathogenic for MCADD - Medium-chain acyl-CoA dehydrogenase deficiency – full ACADM sequencing newborn screening follow up. Last evaluated: 2025-12-05. Review status: criteria provided, single submitter. Criteria: ACGS Best Practice Guidelines for Variant Classification in Rare Disease 2024 v1.2. Collection method: clinical testing. Allele origin: germline. Affected: yes.
Comment: PM2_moderate, PVS1_very-strong, PM3_very-strong, PP4_moderate

CeGaT Center for Human Genetics Tuebingen
Classification: Pathogenic. Last evaluated: 2025-11-01. Review status: criteria provided, single submitter. Criteria: CeGaT Center For Human Genetics Tuebingen Variant Classification Criteria Version 2. Collection method: clinical testing. Allele origin: germline. Affected: yes. Observed: 5 variant alleles.
Comment: ACADM: PM3:Very Strong, PVS1, PM2, PP4:Moderate

Natera, Inc.
Classification: Pathogenic for Medium Chain Acyl-CoA Dehydrogenase Deficiency. Last evaluated: 2025-07-24. Review status: criteria provided, single submitter. Criteria: Natera Variant Classification Schema (03/2026). Collection method: clinical testing. Allele origin: germline.
Comment: The c.244dupT variant in ACADM is a frameshift variant predicted to shift the reading frame beginning at codon 82 and leads to a stop codon 23 codons downstream. This variant is expected to result in nonsense mediated decay, truncation, or a dysfunctional protein product. This variant is rare in the general population with a frequency below the threshold expected for the associated phenotype(s). This variant has been observed in one or more individuals affected with the associated recessive disease, as either homozygous or compound heterozygous with a second variant (PMID: 23095120, 29350094). Given the available evidence, this variant is classified as Pathogenic.

3billion
Classification: Pathogenic for Medium-chain acyl-coenzyme A dehydrogenase deficiency. Last evaluated: 2025-04-01. Review status: criteria provided, single submitter. Criteria: ACMG Guidelines, 2015. Collection method: clinical testing. Allele origin: germline. Affected: yes.
Comment: The variant is observed at an extremely low frequency in the gnomAD v4.1.0 dataset (total allele frequency: 0.001%). Predicted Consequence/Location: Frameshift: predicted to result in a loss or disruption of normal protein function through nonsense-mediated decay (NMD) or protein truncation. Multiple pathogenic variants are reported downstream of the variant. The variant has been reported at least twice as pathogenic with clinical assertions and evidence for the classification (ClinVar ID: VCV000188934 / PMID: 11349232). Therefore, this variant is classified as Pathogenic according to the recommendation of ACMG/AMP guideline.

Victorian Clinical Genetics Services, Murdoch Childrens Research Institute
Classification: Pathogenic for Medium-chain acyl-coenzyme A dehydrogenase deficiency. Last evaluated: 2025-03-05. Review status: criteria provided, single submitter. Criteria: ACMG Guidelines, 2015. Collection method: clinical testing. Allele origin: germline.
Comment: This variant is classified as Pathogenic. Evidence in support of pathogenic classification: Variant is predicted to cause nonsense-mediated decay (NMD) and loss of protein (premature termination codon is located at least 54 nucleotides upstream of the final exon-exon junction); Variant is present in gnomAD <0.01 for a recessive condition (v4: 23 heterozygote(s), 0 homozygote(s)); This variant has strong previous evidence of pathogenicity in unrelated individuals. This variant has been classified multiple times as pathogenic by clinical laboratories (ClinVar); Other NMD-predicted variant(s) comparable to the one identified in this case have very strong previous evidence for pathogenicity (DECIPHER); Heterozygous variant detected in trans with a second PATHOGENIC heterozygous variant (NM_000016.6(ACADM):c.985A>G; p.(Lys329Glu)) in a recessive disease. Additional information: This variant is heterozygous; This gene is associated with autosomal recessive disease; Loss of function is a known mechanism of disease in this gene and is associated with deficiency of medium chain acyl-CoA dehydrogenase (MCAD) (MIM#201450); Variants in this gene are known to have variable expressivity. Clinical presentation varies from asymptomatic to fulminant course (OMIM).

Blueprint Genetics
Classification: Pathogenic for ACADM-related disorders. Last evaluated: 2024-11-25. Review status: criteria provided, single submitter. Criteria: ACMG Guidelines, 2015. Collection method: clinical testing. Allele origin: germline. Affected: yes. Observed: 5 variant alleles.

Baylor Genetics
Classification: Pathogenic for Medium-chain acyl-coenzyme A dehydrogenase deficiency. Last evaluated: 2024-03-20. Review status: criteria provided, single submitter. Criteria: ACMG Guidelines, 2015. Collection method: clinical testing. Allele origin: unknown.

Fulgent Genetics
Classification: Pathogenic for Medium-chain acyl-coenzyme A dehydrogenase deficiency. Last evaluated: 2024-03-13. Review status: criteria provided, single submitter. Criteria: ACMG Guidelines, 2015. Collection method: clinical testing. Allele origin: germline.

Laboratory of Medical Genetics, National & Kapodistrian University of Athens
Classification: Pathogenic for Medium-chain acyl-coenzyme A dehydrogenase deficiency. Last evaluated: 2023-05-16. Review status: criteria provided, single submitter. Criteria: ACMG Guidelines, 2015. Collection method: clinical testing. Allele origin: germline. Affected: yes.
Comment: PVS1, PS3, PM2, PP5

GeneDx
Classification: Pathogenic. Last evaluated: 2022-12-30. Review status: criteria provided, single submitter. Criteria: GeneDx Variant Classification Process June 2021. Collection method: clinical testing. Allele origin: germline. Affected: yes.
Comment: Frameshift variant predicted to result in protein truncation or nonsense mediated decay in a gene for which loss of function is a known mechanism of disease; Not observed at significant frequency in large population cohorts (gnomAD); This variant is associated with the following publications: (PMID: 23095120, 15832312, 15171998, 22542437, 29350094, 23028790, 18241067, 20036593, 11349232, 34426522)

Centre for Mendelian Genomics, University Medical Centre Ljubljana
Classification: Pathogenic for Medium-chain acyl-coenzyme A dehydrogenase deficiency. Last evaluated: 2018-10-01. Review status: criteria provided, single submitter. Criteria: ACMG Guidelines, 2015. Collection method: clinical testing. Allele origin: unknown. Affected: yes.
Comment: This variant was classified as: Pathogenic. The following ACMG criteria were applied in classifying this variant: PVS1,PS1,PM2.

Women's Health and Genetics/Laboratory Corporation of America, LabCorp
Classification: Pathogenic for Medium-chain acyl-coenzyme A dehydrogenase deficiency. Last evaluated: 2017-09-28. Review status: criteria provided, single submitter. Criteria: LabCorp Variant Classification Summary - May 2015. Collection method: clinical testing. Allele origin: germline.
Comment: Variant summary: The ACADM c.244dupT (p.Trp82LeufsX23) variant results in a premature termination codon, predicted to cause a truncated or absent ACADM protein due to nonsense mediated decay, which are commonly known mechanisms for disease. This variant was found in 5/246114 control chromosomes at a frequency of 0.0000203, which does not exceed the estimated maximal expected allele frequency of a pathogenic ACADM variant (0.0054233). Multiple publications have cited the variant in affected compound heterozygote and homozygote patients. In addition, multiple clinical diagnostic laboratories/reputable databases classified this variant as likely pathogenic/pathogenic. Taken together, this variant is classified as pathogenic.

Eurofins Ntd Llc (ga)
Classification: Pathogenic. Last evaluated: 2017-03-01. Review status: criteria provided, single submitter. Criteria: EGL Classification Definitions 2015. Collection method: clinical testing. Allele origin: germline. Observed: 2 variant alleles, 2 heterozygotes.

Kariminejad - Najmabadi Pathology & Genetics Center
Classification: Pathogenic for Medium-chain acyl-coenzyme A dehydrogenase deficiency. Review status: criteria provided, single submitter. Criteria: ACMG Guidelines, 2015. Collection method: clinical testing. Allele origin: germline. Affected: no.

Counsyl
Classification: Pathogenic for Medium-chain acyl-coenzyme A dehydrogenase deficiency. Last evaluated: 2015-10-09. Review status: no assertion criteria provided. Collection method: clinical testing. Allele origin: unknown. Not counted in ClinVar's aggregate classification.

Literature cited by the submitters: PubMed 16121256 (cited by Labcorp Genetics (formerly Invitae), Labcorp); PubMed 20434380 (cited by Labcorp Genetics (formerly Invitae), Labcorp); PubMed 11349232 (cited by Labcorp Genetics (formerly Invitae), Labcorp and 3billion); PubMed 15171998 (cited by Labcorp Genetics (formerly Invitae), Labcorp); PubMed 15832312 (cited by Labcorp Genetics (formerly Invitae), Labcorp and Counsyl); PubMed 20036593 (cited by Labcorp Genetics (formerly Invitae), Labcorp and Women's Health and Genetics/Laboratory Corporation of America, LabCorp); PubMed 23028790 (cited by Labcorp Genetics (formerly Invitae), Labcorp and Counsyl); PubMed 23095120 (cited by Labcorp Genetics (formerly Invitae), Labcorp and Natera, Inc.); PubMed 29350094 (cited by Natera, Inc.); PubMed 22542437 (cited by Counsyl).

NM_000016.6(ACADM):c.244dup (p.Trp82fs)

Gene: ACADM (acyl-CoA dehydrogenase medium chain; plus strand). Cytogenetic location: 1p31.1.
Variant type: Duplication.
Coding change: c.244dup on transcript NM_000016.6 (MANE Select); coding-DNA position 244, one base duplicated (T; older notation c.244dupT).
Protein change: p.Trp82fs; shifts the reading frame from tryptophan 82.
Molecular consequence: frameshift variant. On other transcripts: 5 prime UTR variant (1).
Genome position (GRCh38, 1-based): chr1:75,732,880, T duplicated. VCF-style (leftmost placement, unchanged base first): chr1-75732879-C-CT. GRCh37 (hg19) VCF-style: chr1-76198564-C-CT.
Other names: c.244dupT (NM_001286043.1, NM_000016.5); c.256dup, p.Trp86fs (NM_001127328.3); c.136dup, p.Trp46fs (NM_001286042.2); c.244dup, p.Trp82fs (NM_001286043.2); c.-142dup (NM_001286044.2); c.244dup (NM_000016.4); short protein forms W46fs, W86fs, W82fs.
Identifiers: ClinVar variation 188934 (VCV000188934.73), dbSNP rs786204566, ClinGen allele CA274151.
Genomic context (GRCh38, chr1:75,732,879, plus strand): 5'-AAAATATATTTTAACTCAGTTCTTTTTCTTCTAGTATCCAGTCCCCCTAATTAGAAGAGC[C>CT]TGGGAACTTGGTTTAATGAACACACACATTCCAGAGAACTGTGGTAAGCTTTCTTTATAT-3'